The following is an entry in ClinVar:

NM_020937.4(FANCM):c.1880G>T (p.Arg627Leu)

Gene: FANCM (FA complementation group M; plus strand). Cytogenetic location: 14q21.2.
Variant type: single nucleotide variant.
Coding change: c.1880G>T on transcript NM_020937.4 (MANE Select); coding-DNA position 1880, G replaced by T.
Protein change: p.Arg627Leu; replaces arginine 627 with leucine.
Molecular consequence: missense variant.
Genome position (GRCh38, 1-based): chr14:45,167,041, G>T. VCF-style: chr14-45167041-G-T. GRCh37 (hg19) VCF-style: chr14-45636244-G-T.
Other names: c.1802G>T, p.Arg601Leu (NM_001308133.2); c.1880G>T, p.Arg627Leu (NM_001308134.2); short protein forms R601L, R627L.
Identifiers: ClinVar variation 2339005 (VCV002339005.3), dbSNP rs777379515, ClinGen allele CA389594972.

ClinVar aggregate classification (germline): Uncertain significance (1 of 4 stars; one submission).

Conditions:
Inborn genetic diseases. Identifiers: MedGen C0950123, MeSH D030342.

gnomAD v4.1: 1 of 1,611,942 alleles (0.000062%); highest among the groups gnomAD compares: Non-Finnish European, 0.000085%; no homozygotes.

Submission:

Ambry Genetics
Classification: Uncertain significance for Inborn genetic diseases. Last evaluated: 2025-09-19. Review status: criteria provided, single submitter. Criteria: Ambry Variant Classification Scheme 2023. Collection method: clinical testing. Allele origin: germline.
Comment: The p.R627L variant (also known as c.1880G>T), located in coding exon 11 of the FANCM gene, results from a G to T substitution at nucleotide position 1880. The arginine at codon 627 is replaced by leucine, an amino acid with dissimilar properties. This amino acid position is conserved. In addition, this alteration is predicted to be deleterious by in silico analysis. Based on the available evidence, the clinical significance of this variant remains unclear.